The following is an entry in ClinVar:

ClinVar aggregate classification (germline): Uncertain significance (1 of 4 stars; one submission).

Allele frequency attached by ClinVar (database versions not stated): TOPMed below 0.00001; gnomAD exomes 0.00001.
gnomAD v4.1: 5 of 1,614,200 alleles (0.00031%); highest among the groups gnomAD compares: Non-Finnish European, 0.00042%; no homozygotes.

Submission:

Labcorp Genetics (formerly Invitae), Labcorp
Classification: Uncertain significance. Last evaluated: 2024-12-29. Review status: criteria provided, single submitter. Criteria: Invitae Variant Classification Sherloc (09022015). Collection method: clinical testing. Allele origin: germline.
Comment: This sequence change replaces isoleucine, which is neutral and non-polar, with methionine, which is neutral and non-polar, at codon 93 of the TUBA8 protein (p.Ile93Met). This variant is not present in population databases (gnomAD no frequency). This variant has not been reported in the literature in individuals affected with TUBA8-related conditions. ClinVar contains an entry for this variant (Variation ID: 1472160). Invitae Evidence Modeling of protein sequence and biophysical properties (such as structural, functional, and spatial information, amino acid conservation, physicochemical variation, residue mobility, and thermodynamic stability) indicates that this missense variant is not expected to disrupt TUBA8 protein function with a negative predictive value of 80%. In summary, the available evidence is currently insufficient to determine the role of this variant in disease. Therefore, it has been classified as a Variant of Uncertain Significance.

NM_018943.3(TUBA8):c.279C>G (p.Ile93Met)

Gene: TUBA8 (tubulin alpha 8; plus strand). Cytogenetic location: 22q11.21.
Variant type: single nucleotide variant.
Coding change: c.279C>G on transcript NM_018943.3 (MANE Select); coding-DNA position 279, C replaced by G.
Protein change: p.Ile93Met; replaces isoleucine 93 with methionine.
Molecular consequence: missense variant.
Genome position (GRCh38, 1-based): chr22:18,124,208, C>G. VCF-style: chr22-18124208-C-G. GRCh37 (hg19) VCF-style: chr22-18606975-C-G.
Other names: c.81C>G, p.Ile27Met (NM_001193414.2); short protein forms I27M, I93M.
Identifiers: ClinVar variation 1472160 (VCV001472160.8), dbSNP rs1928246878, ClinGen allele CA410262110.